The following is an entry in ClinVar:

NM_004360.5(CDH1):c.2296-16C>T

Gene: CDH1 (cadherin 1; plus strand). Cytogenetic location: 16q22.1.
Variant type: single nucleotide variant.
Coding change: c.2296-16C>T on transcript NM_004360.5 (MANE Select); 16 bases into the intron before coding-DNA position 2296, C replaced by T.
Molecular consequence: intron variant.
Genome position (GRCh38, 1-based): chr16:68,829,638, C>T. VCF-style: chr16-68829638-C-T. GRCh37 (hg19) VCF-style: chr16-68863541-C-T.
Other names: c.2296-16C>T (LRG_301t1); c.748-16C>T (NM_001317185.2); c.331-16C>T (NM_001317186.2); c.2113-16C>T (NM_001317184.2).
Identifiers: ClinVar variation 383581 (VCV000383581.10), dbSNP rs1057521683, ClinGen allele CA16608248.

ClinVar aggregate classification (germline): Likely benign. Review status: criteria provided, multiple submitters, no conflicts (2 of 4 stars). 3 submissions from 3 submitters: Likely benign (3). Last evaluated 2025-10-31.

Conditions:
Hereditary diffuse gastric adenocarcinoma (HDGC). Also called: DIFFUSE GASTRIC AND LOBULAR BREAST CANCER SYNDROME. Identifiers: Orphanet 26106, MedGen C1708349, MONDO:0007648, OMIM 137215.

Allele frequency attached by ClinVar (database versions not stated): gnomAD exomes below 0.00001 and 0.00002.
gnomAD v4.1: 22 of 1,613,914 alleles (0.0014%); highest among the groups gnomAD compares: Non-Finnish European, 0.0019%; no homozygotes.

Submissions (3):

Labcorp Genetics (formerly Invitae), Labcorp
Classification: Likely benign for Hereditary diffuse gastric adenocarcinoma. Last evaluated: 2025-10-31. Review status: criteria provided, single submitter. Criteria: Invitae Variant Classification Sherloc (09022015). Collection method: clinical testing. Allele origin: germline.

Myriad Genetics, Inc.
Classification: Likely benign for Hereditary diffuse gastric adenocarcinoma. Last evaluated: 2024-09-23. Review status: criteria provided, single submitter. Criteria: Myriad Autosomal Dominant, Autosomal Recessive and X-Linked Classification Criteria (2023). Collection method: clinical testing. Allele origin: unknown.
Comment: This variant is considered likely benign. This variant is intronic and is not expected to impact mRNA splicing.

GeneDx
Classification: Likely benign. Last evaluated: 2016-02-04. Review status: criteria provided, single submitter. Criteria: GeneDx Variant Classification (06012015). Collection method: clinical testing. Allele origin: germline. Affected: yes.
Comment: This variant is considered likely benign or benign based on one or more of the following criteria: it is a conservative change, it occurs at a poorly conserved position in the protein, it is predicted to be benign by multiple in silico algorithms, and/or has population frequency not consistent with disease.